The following continues an entry in ClinVar:

NM_000243.3(MEFV):c.2080A>G (p.Met694Val)

ClinVar aggregate classification (germline): Pathogenic/Likely pathogenic. Pathogenic (49); Likely pathogenic (2).

Submissions 21 to 38 of 61:

Laboratory of Medical Genetics, National & Kapodistrian University of Athens
Classification: Pathogenic for Familial Mediterranean fever. Last evaluated: 2024-02-01. Review status: criteria provided, single submitter. Criteria: ACMG Guidelines, 2015. Collection method: curation. Allele origin: germline. Affected: no.

Pittsburgh Clinical Genomics Laboratory, University of Pittsburgh Medical Center
Classification: Pathogenic for Familial Mediterranean fever. Last evaluated: 2023-12-29. Review status: criteria provided, single submitter. Criteria: ACMG Guidelines, 2015. Collection method: clinical testing. Allele origin: germline. Inheritance: Autosomal unknown. Affected: yes.
Comment: This sequence variant is a single nucleotide substitution (A>G) at position 2080 of the coding sequence of the MEFV gene that results in a methionine to valine amino acid change at residue 694 of the MEFV-encoded pyrin protein. This residue falls in the B30.2 domain which contributes to pyrin's role in regulating the inflammation response (PMID: 16785446). This is a previously reported variant (ClinVar 2538) that is one of the most common variants observed in individuals affected by Familial Mediterranean fever (FMF) (PMID: 20301405, 19790133) in either the homozygous or compound heterozygous states (PMID: 11938447, 9288758, 16627024, 20008920, 22037353, 23334425, 30171907). Additional observations suggest that individuals heterozygous for this variant may be affected by FMF (PMID: 16627024, 20301405, 30171907). This variant is present in 91 of 403632 alleles (0.0225%) in the gnomAD population dataset. Multiple bioinformatic tools predict that this methionine to valine amino acid change would be neutral, and the Met694 residue at this position is moderately conserved across the vertebrate species examined. In vivo studies of this variant in human and murine cells indicate that this variant stimulates the release of pro-inflammatory signals (PMID: 24318677, 21600797). Based upon the evidence, we consider this variant to be pathogenic. ACMG Criteria: BP4, PM1, PS3, PS4

Clinical Genetics Laboratory, Skane University Hospital Lund
Classification: Pathogenic for Recurrent fever. Last evaluated: 2023-09-06. Review status: criteria provided, single submitter. Criteria: ACMG Guidelines, 2015. Collection method: clinical testing. Allele origin: germline. Affected: yes.

Institute for Clinical Genetics, University Hospital TU Dresden, University Hospital TU Dresden
Classification: Pathogenic. Last evaluated: 2023-06-20. Review status: criteria provided, single submitter. Criteria: ACMG Guidelines, 2015. Collection method: clinical testing. Allele origin: germline.
Comment: PS4, PS3, PM3

Laboratorio de Genetica e Diagnostico Molecular, Hospital Israelita Albert Einstein
Classification: Pathogenic for Familial Mediterranean fever, autosomal dominant. Last evaluated: 2023-02-10. Review status: criteria provided, single submitter. Criteria: ACMG Guidelines, 2015. Collection method: clinical testing. Allele origin: germline. Affected: yes. Observed: 1 variant allele.
Comment: ACMG classification criteria: PS3 supporting, PM3 very strong, PM5 moderated, PP1 strong

Mayo Clinic Laboratories, Mayo Clinic
Classification: Pathogenic. Last evaluated: 2022-09-14. Review status: criteria provided, single submitter. Criteria: ACMG Guidelines, 2015. Collection method: clinical testing. Allele origin: germline. Observed: 13 variant alleles.
Comment: PP5, PM1, PS3, PS4_moderate

MGZ Medical Genetics Center
Classification: Pathogenic for Familial Mediterranean fever, autosomal dominant. Last evaluated: 2022-08-29. Review status: criteria provided, single submitter. Criteria: ACMG Guidelines, 2015. Collection method: clinical testing. Allele origin: germline. Affected: yes. Observed: 14 variant alleles.
Comment: ACMG criteria applied: PS3, PS4, PM1, PM3, PM5, PP1

Laboratory for Molecular Medicine, Mass General Brigham Personalized Medicine
Classification: Pathogenic for Familial Mediterranean fever. Last evaluated: 2022-06-23. Review status: criteria provided, single submitter. Criteria: ACMG Guidelines, 2015. Collection method: clinical testing. Allele origin: germline.
Comment: The p.Met694Val variant in MEFV is the most common cause of familial Mediterranean fever (FMF) in Israel, Armenia and Turkey, and it is also present in other populations (Dewalle 1998 PMID: 9781020, Cazeneuve 1999 PMID: 10364520, Bathelier 2010 PMID: 21290976, Akpolat 2012 PMID: 22037353). In the homozygous state this variant is associated with a higher rate of amyloidosis and a lower response to colchicine (Soylemezoglu 2010 PMID: 20008920, Akpolat 2012 PMID: 22037353). It has also been reported in ClinVar (Variation ID 2385). It has been identified in 12/68010 European chromosomes by gnomAD. Computational prediction tools and conservation analyses do not provide strong support for or against an impact to the protein. However, in vitro functional studies show decreased capacity of the variant protein to suppress IL-8 secretion in synovial cell cultures and FMF-knock-in mice studies showed decreased binding of PKN1 and 14-3-3 protein to murine pyrin in vivo, thereby providing some evidence that this variant impacts protein function (Sugiyama 2014 PMID: 24318677, Park 2016 PMID: 27270401). Additionally, another variant involving this codon (p.Met694Ile) has been reported in individuals with FMF and is classified as pathogenic by several clinical laboratories in ClinVar. In summary, this variant meets criteria to be classified as pathogenic for autosomal recessive FMF. ACMG/AMP Criteria applied: PS3_Moderate, PM3_VeryStrong, PM2_Supporting, PP1_strong.

Mendelics
Classification: Pathogenic for Familial Mediterranean fever. Last evaluated: 2022-05-27. Review status: criteria provided, single submitter. Criteria: Mendelics Assertion Criteria 2017. Collection method: clinical testing. Allele origin: unknown.

Human Genetics Bochum, Ruhr University Bochum
Classification: Pathogenic for Familial Mediterranean fever, autosomal dominant. Last evaluated: 2022-05-06. Review status: criteria provided, single submitter. Criteria: ACMG Guidelines, 2015. Collection method: clinical testing. Allele origin: germline. Affected: yes.
Comment: ACMG criteria used to clasify this variant: PP1, PS3, PM1, PS4, PM5

Genome Diagnostics Laboratory, The Hospital for Sick Children
Classification: Pathogenic for Autoinflammatory syndrome. Last evaluated: 2022-04-19. Review status: criteria provided, single submitter. Criteria: ACMG Guidelines, 2015. Collection method: clinical testing. Allele origin: germline. Affected: yes.

Genome-Nilou Lab
Classification: Pathogenic for Familial Mediterranean fever. Last evaluated: 2021-07-22. Review status: criteria provided, single submitter. Criteria: ACMG Guidelines, 2015. Collection method: clinical testing. Allele origin: germline. Affected: no.

Fulgent Genetics
Classification: Pathogenic for Familial Mediterranean fever, autosomal dominant; Familial Mediterranean fever; Acute febrile neutrophilic dermatosis. Last evaluated: 2021-06-30. Review status: criteria provided, single submitter. Criteria: ACMG Guidelines, 2015. Collection method: clinical testing. Allele origin: unknown.
Comment: This variant has been detected in individual(s) who were sent for testing of Renasight - kidney gene panel.

Institute of Medical Genetics and Applied Genomics, University Hospital Tübingen
Classification: Pathogenic. Last evaluated: 2020-10-23. Review status: criteria provided, single submitter. Criteria: ACMG Guidelines, 2015. Collection method: clinical testing. Allele origin: germline. Inheritance: Autosomal unknown. Affected: yes.

Dubai Health Genomic Medicine Center, Dubai Health
Classification: Pathogenic for Familial Mediterranean fever, autosomal dominant. Last evaluated: 2020-10-04. Review status: criteria provided, single submitter. Criteria: ACMG Guidelines, 2015. Collection method: clinical testing. Allele origin: germline. Affected: yes.

GeneDx
Classification: Pathogenic. Last evaluated: 2020-07-15. Review status: criteria provided, single submitter. Criteria: GeneDx Variant Classification Process June 2021. Collection method: clinical testing. Allele origin: germline. Affected: yes.
Comment: Reported as the most common pathogenic variant associated with familial Mediterranean fever, especially in Turkish, Armenian, Arab, and Jewish populations (Ozen, 2017; Askentijevich et al., 1999); Individuals who are homozygous for M694V are at higher risk for earlier onset, more severe symptoms, and for developing amyloidosis (Ozen, 2017); Multiple published functional and FMF-knock-in mice studies demonstrated the damaging effect of the M694V variant, e.g., showing loss of suppression of IL-8 secretion in vitro (Sugiyama et al., 2014) and decreased binding of PKN1 and 14-3-3 protein to murine pyrin in vivo (Park, 2016); Other missense variants altering the same residue (M694I/K/L) and nearby residues (e.g., K695R/M) have been reported in the Human Gene Mutation Database in association with FMF (Stenson et al., 2014); This variant is associated with the following publications: (PMID: 21557533, 27538774, 27270401, 28800602, 28828621, 24369413, 11728994, 20669279, 11005788, 21483284, 23832993, 21995303, 21360101, 21329287, 22960328, 23588594, 22037353, 22975760, 24123366, 20437121, 25036284, 22790142, 20008920, 20483145, 22532615, 11470495, 10667038, 22487161, 23633568, 22783597, 19151978, 21259007, 23334425, 20049453, 20828792, 10879615, 21623663, 21228398, 10090880, 24251727, 23907647, 24533546, 26400644, 24318677, 9288758, 27994174, 27766107, 27621632, 27659338, 14636645, 15711787, 25550179, 12189462, 26071026, 26510601, 16721494, 18183427, 26360812, 18318646, 16179998, 17111701, 28573371, 11781702, 19151977, 28386255, 16523434, 17949559, 18408398, 9781020, 11175300, 14615741, 30826945, 30946743, 29543225, 30009667, 31814694, 30783801, 29027576, 30171907, 32199921, 32601469, 31589614, 33440462, 11977178, 30755392, 32888943, 29080837, 10852276, 10662876)

Genomic Research Center, Shahid Beheshti University of Medical Sciences
Classification: Likely pathogenic for Familial Mediterranean fever, autosomal dominant. Last evaluated: 2020-05-03. Review status: criteria provided, single submitter. Criteria: ACMG Guidelines, 2015. Collection method: clinical testing. Allele origin: unknown. Affected: yes.

Centre for Mendelian Genomics, University Medical Centre Ljubljana
Classification: Pathogenic for Acute febrile neutrophilic dermatosis. Last evaluated: 2020-02-25. Review status: criteria provided, single submitter. Criteria: ACMG Guidelines, 2015. Collection method: clinical testing. Allele origin: unknown. Affected: yes.
Comment: This variant was classified as: Pathogenic. The following ACMG criteria were applied in classifying this variant: PS1,PS3,PS4_Supp,PM1,PM3.